The following is an entry in ClinVar:

ClinVar aggregate classification (germline): Pathogenic (1 of 4 stars; one submission).

Submission:

Labcorp Genetics (formerly Invitae), Labcorp
Classification: Pathogenic. Last evaluated: 2020-08-20. Review status: criteria provided, single submitter. Criteria: Invitae Variant Classification Sherloc (09022015). Collection method: clinical testing. Allele origin: germline.
Comment: This variant is not present in population databases (ExAC no frequency). This variant has not been reported in the literature in individuals with MERTK-related conditions. Loss-of-function variants in MERTK are known to be pathogenic (PMID: 24265693, 29659094). For these reasons, this variant has been classified as Pathogenic. This sequence change creates a premature translational stop signal (p.Ser398Lysfs*2) in the MERTK gene. It is expected to result in an absent or disrupted protein product.

Literature cited by the submitters: PubMed 24265693; PubMed 29659094.

NM_006343.3(MERTK):c.1192dup (p.Ser398fs)

Gene: MERTK (MER proto-oncogene, tyrosine kinase; plus strand). Cytogenetic location: 2q13.
Variant type: Duplication.
Coding change: c.1192dup on transcript NM_006343.3 (MANE Select); coding-DNA position 1192, one base duplicated (A; older notation c.1192dupA).
Protein change: p.Ser398fs; shifts the reading frame from serine 398.
Molecular consequence: frameshift variant.
Genome position (GRCh38, 1-based): chr2:111,982,889, A duplicated. VCF-style (leftmost placement, unchanged base first): chr2-111982888-T-TA. GRCh37 (hg19) VCF-style: chr2-112740465-T-TA.
Other names: short protein forms S398fs.
Identifiers: ClinVar variation 1074891 (VCV001074891.7), dbSNP rs2104741154, ClinGen allele CA2499214951.
Genomic context (GRCh38, chr2:111,982,888, plus strand): 5'-TTTTTCTTTTGTAGCCCCATCAGTAGCACCTTTAAATGTCACTGTGTTTCTGAATGAATC[T>TA]AGTGATAATGTGGACATCAGATGGATGAAGCCTCCGACTAAGCAGCAGGATGGAGAACTG-3'